The following is an entry in ClinVar:

NM_000812.4(GABRB1):c.967G>T (p.Glu323Ter)

Gene: GABRB1 (gamma-aminobutyric acid type A receptor subunit beta1; plus strand). Cytogenetic location: 4p12.
Variant type: single nucleotide variant.
Coding change: c.967G>T on transcript NM_000812.4 (MANE Select); coding-DNA position 967, G replaced by T.
Protein change: p.Glu323Ter; replaces glutamic acid 323 with a stop codon.
Molecular consequence: nonsense.
Genome position (GRCh38, 1-based): chr4:47,406,813, G>T. VCF-style: chr4-47406813-G-T. GRCh37 (hg19) VCF-style: chr4-47408830-G-T.
Other names: short protein forms E323*.
Identifiers: ClinVar variation 1392040 (VCV001392040.6), dbSNP rs2110055080, ClinGen allele CA356811666.

ClinVar aggregate classification (germline): Uncertain significance (1 of 4 stars; one submission).

Submission:

Labcorp Genetics (formerly Invitae), Labcorp
Classification: Uncertain significance. Last evaluated: 2025-04-28. Review status: criteria provided, single submitter. Criteria: Invitae Variant Classification Sherloc (09022015). Collection method: clinical testing. Allele origin: germline.
Comment: This sequence change creates a premature translational stop signal (p.Glu323*) in the GABRB1 gene. It is expected to result in an absent or disrupted protein product. However, the current clinical and genetic evidence is not sufficient to establish whether loss-of-function variants in GABRB1 cause disease. This variant is not present in population databases (gnomAD no frequency). This variant has not been reported in the literature in individuals affected with GABRB1-related conditions. ClinVar contains an entry for this variant (Variation ID: 1392040). In summary, the available evidence is currently insufficient to determine the role of this variant in disease. Therefore, it has been classified as a Variant of Uncertain Significance.